The following is an entry in ClinVar:

ClinVar aggregate classification (germline): Uncertain significance. Review status: criteria provided, multiple submitters, no conflicts (2 of 4 stars). 5 submissions from 5 submitters: Uncertain significance (5). Last evaluated 2024-09-17.

Conditions:
Inborn genetic diseases. Identifiers: MedGen C0950123, MeSH D030342.
Muscular dystrophy-dystroglycanopathy (congenital with brain and eye anomalies), type A2. Also called: WALKER-WARBURG SYNDROME OR MUSCLE-EYE-BRAIN DISEASE, POMT2-RELATED; MUSCULAR DYSTROPHY-DYSTROGLYCANOPATHY (CONGENITAL WITH BRAIN AND EYE ANOMALIES), TYPE A, 2. Identifiers: Orphanet 588, Orphanet 899, MedGen C3150411, MONDO:0013154, OMIM 613150.
Muscular dystrophy-dystroglycanopathy (congenital with impaired intellectual development), type B, 2. Also called: Muscular dystrophy-dystroglycanopathy (congenital with intellectual disability), type B2; MUSCULAR DYSTROPHY, CONGENITAL, POMT2-RELATED. Identifiers: MedGen C3150416, MONDO:0013160, OMIM 613156.
Autosomal recessive limb-girdle muscular dystrophy type 2N. Also called: MUSCULAR DYSTROPHY-DYSTROGLYCANOPATHY, LIMB-GIRDLE, POMT2-RELATED; Muscular dystrophy-dystroglycanopathy (limb-girdle), type C, 2. Identifiers: Orphanet 206559, MedGen C3150418, MONDO:0013162, OMIM 613158.
Muscular dystrophy-dystroglycanopathy (congenital with brain and eye anomalies), type A1 (MDDGA1). Also called: Muscular dystrophy-dystroglycanopathy (congenital with brain and eye anomalies), type A, 1; WALKER-WARBURG SYNDROME OR MUSCLE-EYE-BRAIN DISEASE, POMT1-RELATED; Hydrocephalus, agyria and retinal dysplasia; Hard +/- E syndrome; Warburg syndrome; Chemke syndrome. Identifiers: Orphanet 588, Orphanet 899, MedGen C4284790, MONDO:0009364, OMIM 236670.

Allele frequency attached by ClinVar (database versions not stated): gnomAD 0.00008 and 0.00009; ESP Exome Variant Server 0.00015; TOPMed 0.00004; ExAC 0.00012; gnomAD exomes 0.00007.

Submissions (5):

Revvity Omics, Revvity
Classification: Uncertain significance. Last evaluated: 2024-09-17. Review status: criteria provided, single submitter. Criteria: ACMG Guidelines, 2015. Collection method: clinical testing. Allele origin: germline.

Ambry Genetics
Classification: Uncertain significance for Inborn genetic diseases. Last evaluated: 2023-12-07. Review status: criteria provided, single submitter. Criteria: Ambry Variant Classification Scheme 2023. Collection method: clinical testing. Allele origin: germline.

Labcorp Genetics (formerly Invitae), Labcorp
Classification: Uncertain significance for Muscular dystrophy-dystroglycanopathy (congenital with impaired intellectual development), type B, 2; Muscular dystrophy-dystroglycanopathy (congenital with brain and eye anomalies), type A2; Autosomal recessive limb-girdle muscular dystrophy type 2N. Last evaluated: 2022-10-06. Review status: criteria provided, single submitter. Criteria: Invitae Variant Classification Sherloc (09022015). Collection method: clinical testing. Allele origin: germline.
Comment: This sequence change replaces arginine, which is basic and polar, with cysteine, which is neutral and slightly polar, at codon 282 of the POMT2 protein (p.Arg282Cys). This variant is present in population databases (rs200204831, gnomAD 0.04%). This variant has not been reported in the literature in individuals affected with POMT2-related conditions. ClinVar contains an entry for this variant (Variation ID: 285619). Algorithms developed to predict the effect of missense changes on protein structure and function (SIFT, PolyPhen-2, Align-GVGD) all suggest that this variant is likely to be disruptive. In summary, the available evidence is currently insufficient to determine the role of this variant in disease. Therefore, it has been classified as a Variant of Uncertain Significance.

Fulgent Genetics
Classification: Uncertain significance for Muscular dystrophy-dystroglycanopathy (congenital with brain and eye anomalies), type A1; Muscular dystrophy-dystroglycanopathy (congenital with brain and eye anomalies), type A2; Muscular dystrophy-dystroglycanopathy (congenital with impaired intellectual development), type B, 2; Autosomal recessive limb-girdle muscular dystrophy type 2N. Last evaluated: 2021-08-10. Review status: criteria provided, single submitter. Criteria: ACMG Guidelines, 2015. Collection method: clinical testing. Allele origin: unknown.

Eurofins Ntd Llc (ga)
Classification: Uncertain significance. Last evaluated: 2016-01-05. Review status: criteria provided, single submitter. Criteria: EGL Classification Definitions 2015. Collection method: clinical testing. Allele origin: germline. Observed: 3 variant alleles, 3 heterozygotes.

NM_013382.7(POMT2):c.844C>T (p.Arg282Cys)

Gene: POMT2 (protein O-mannosyltransferase 2; minus strand). Cytogenetic location: 14q24.3.
Variant type: single nucleotide variant.
Coding change: c.844C>T on transcript NM_013382.7 (MANE Select); coding-DNA position 844, C replaced by T.
Protein change: p.Arg282Cys; replaces arginine 282 with cysteine.
Molecular consequence: missense variant.
Genome position (GRCh38, 1-based): chr14:77,299,534, G>A on the plus strand (C>T on the coding strand, the complement: POMT2 is on the minus strand). VCF-style: chr14-77299534-G-A. GRCh37 (hg19) VCF-style: chr14-77765877-G-A.
Other names: c.844C>T (NM_013382.5); short protein forms R282C.
Identifiers: ClinVar variation 285619 (VCV000285619.14), dbSNP rs200204831, ClinGen allele CA7286063.
Genomic context (GRCh38, chr14:77,299,534, plus strand): 5'-AGTGAACAGCAAAGGTGGCTGTATAGAGAGCCAGGGGCAGCACTATGAGGCACAGGACAC[G>A]AGCAGTCAGGTGTTTTCCCACAGTCACCTGCAAACAGAGGCCAGCGTGGGGTGCTAGGCA-3'
Protein context (NP_037514.2, residues 272-292): LVTVGKHLTA[Arg282Cys]VLCLIVLPLA